The following is an entry in ClinVar:

ClinVar aggregate classification (germline): Benign. Review status: criteria provided, multiple submitters, no conflicts (2 of 4 stars). 4 submissions from 4 submitters: Benign (4). Last evaluated 2026-01-18.

Allele frequency attached by ClinVar (database versions not stated): gnomAD exomes 0.00794 and 0.01301; ESP Exome Variant Server 0.00907; gnomAD 0.00956 and 0.01041; TOPMed 0.01179; ExAC 0.01328; 1000 Genomes Project 30x 0.01936; 1000 Genomes Project 0.01977.
gnomAD v4.1: 13,298 of 1,613,514 alleles (0.82%); highest among the groups gnomAD compares: Middle Eastern, 3.9%; 126 homozygotes.

Submissions (4):

Labcorp Genetics (formerly Invitae), Labcorp
Classification: Benign. Last evaluated: 2026-01-18. Review status: criteria provided, single submitter. Criteria: Invitae Variant Classification Sherloc (09022015). Collection method: clinical testing. Allele origin: germline.

GeneDx
Classification: Benign. Last evaluated: 2018-08-10. Review status: criteria provided, single submitter. Criteria: GeneDx Variant Classification Process June 2021. Collection method: clinical testing. Allele origin: germline. Affected: yes.

Laboratory for Molecular Medicine, Mass General Brigham Personalized Medicine
Classification: Benign. Last evaluated: 2017-08-23. Review status: criteria provided, single submitter. Criteria: LMM Criteria. Collection method: clinical testing. Allele origin: germline. Observed: 8 variant alleles.
Comment: p.Arg519Cys in exon 15 of EPS8: This variant is not expected to have clinical si gnificance because it has been identified in 2.83% (245/8644) of East Asian chro mosomes by the Exome Aggregation Consortium (ExAC, g; dbSNP rs76688635).

Breakthrough Genomics
Classification: Benign. Review status: criteria provided, single submitter. Criteria: ACMG Guidelines, 2015. Collection method: not provided. Allele origin: germline. Inheritance: Autosomal recessive inheritance. Affected: yes.

NM_004447.6(EPS8):c.1555C>T (p.Arg519Cys)

Gene: EPS8 (EGFR pathway substrate 8, signaling adaptor; minus strand). Cytogenetic location: 12p12.3.
Variant type: single nucleotide variant.
Coding change: c.1555C>T on transcript NM_004447.6 (MANE Select); coding-DNA position 1555, C replaced by T.
Protein change: p.Arg519Cys; replaces arginine 519 with cysteine.
Molecular consequence: missense variant.
Genome position (GRCh38, 1-based): chr12:15,647,140, G>A on the plus strand (C>T on the coding strand, the complement: EPS8 is on the minus strand). VCF-style: chr12-15647140-G-A. GRCh37 (hg19) VCF-style: chr12-15800074-G-A.
Other names: short protein forms R519C.
Identifiers: ClinVar variation 509185 (VCV000509185.15), dbSNP rs76688635, ClinGen allele CA6467537.